The following is an entry in ClinVar:

ClinVar aggregate classification (germline): Uncertain significance (1 of 4 stars; one submission).

Conditions:
Epidermolysis bullosa simplex 3, localized or generalized intermediate, with BP230 deficiency (EBS3). Also called: Epidermolysis bullosa simplex, autosomal recessive 2; Epidermolysis bullosa simplex due to BP230 deficiency. Identifiers: Orphanet 412181, MedGen C3809470, MONDO:0014180, OMIM 615425.
Hereditary sensory and autonomic neuropathy type 6. Also called: Neuropathy, hereditary sensory and autonomic, type VI; HSAN VI. Identifiers: Orphanet 314381, MedGen C3539003, MONDO:0013839, OMIM 614653.

Submission:

Labcorp Genetics (formerly Invitae), Labcorp
Classification: Uncertain significance for Epidermolysis bullosa simplex 3, localized or generalized intermediate, with BP230 deficiency; Hereditary sensory and autonomic neuropathy type 6. Last evaluated: 2022-07-31. Review status: criteria provided, single submitter. Criteria: Invitae Variant Classification Sherloc (09022015). Collection method: clinical testing. Allele origin: germline.
Comment: This variant is not present in population databases (gnomAD no frequency). This variant has not been reported in the literature in individuals affected with DST-related conditions. Experimental studies and prediction algorithms are not available or were not evaluated, and the functional significance of this variant is currently unknown. In summary, the available evidence is currently insufficient to determine the role of this variant in disease. Therefore, it has been classified as a Variant of Uncertain Significance. This sequence change replaces arginine, which is basic and polar, with threonine, which is neutral and polar, at codon 2334 of the DST protein (p.Arg2334Thr). The DST gene has multiple clinically relevant transcripts. This variant occurs in alternate transcript NM_015548.4, and corresponds to NM_001723.5:c.*59906G>C in the primary transcript.

NM_001374736.1(DST):c.14870G>C (p.Arg4957Thr)

Gene: DST (dystonin; minus strand). Cytogenetic location: 6p12.1.
Variant type: single nucleotide variant.
Coding change: c.14870G>C on transcript NM_001374736.1 (MANE Select); coding-DNA position 14870, G replaced by C.
Protein change: p.Arg4957Thr; replaces arginine 4957 with threonine.
Molecular consequence: missense variant.
Genome position (GRCh38, 1-based): chr6:56,555,611, C>G on the plus strand (G>C on the coding strand, the complement: DST is on the minus strand). VCF-style: chr6-56555611-C-G. GRCh37 (hg19) VCF-style: chr6-56420409-C-G.
Other names: c.8513G>C, p.Arg2838Thr (NM_001144769.5); c.8099G>C, p.Arg2700Thr (NM_001144770.2); c.14870G>C, p.Arg4957Thr (NM_001374722.1); c.14237G>C, p.Arg4746Thr (NM_001374729.1); c.7979G>C, p.Arg2660Thr (NM_001374730.1, NM_001386100.1, NM_183380.4); c.14897G>C, p.Arg4966Thr (NM_001374734.1); c.7001G>C, p.Arg2334Thr (NM_015548.5); short protein forms R4746T, R4966T, R2334T, R2660T, R2700T, R2838T, R4957T.
Identifiers: ClinVar variation 2020833 (VCV002020833.4), dbSNP rs2097401167, ClinGen allele CA364519206.